The following is an entry in ClinVar:

NM_001083962.2(TCF4):c.-125C>T

Gene: TCF4 (transcription factor 4; minus strand). Cytogenetic location: 18q21.2.
Variant type: single nucleotide variant.
Coding change: c.-125C>T on transcript NM_001083962.2 (MANE Select); 125 bases upstream of the start codon, C replaced by T.
Molecular consequence: 5 prime UTR variant. On other transcripts: intron variant (14).
Genome position (GRCh38, 1-based): chr18:55,588,142, G>A on the plus strand (C>T on the coding strand, the complement: TCF4 is on the minus strand). VCF-style: chr18-55588142-G-A. GRCh37 (hg19) VCF-style: chr18-53255373-G-A.
Other names: c.-125C>T (NM_001330604.3, NM_001369570.1, NM_001369573.1 and 2 more transcripts); c.-105C>T (NM_001369575.1, NM_001369578.1, NM_001369579.1 and 2 more transcripts); c.287-1006C>T (NM_001243226.3); c.-1+1155C>T (NM_001369584.1, NM_001369576.1, NM_001369577.1 and 3 more transcripts); c.-20-1006C>T (NM_001369571.1, NM_001369567.1, NM_001243228.2); c.66+328C>T (NM_001243230.2); c.-21+328C>T (NM_001369569.1, NM_001369572.1, NM_001369568.1).
Identifiers: ClinVar variation 327308 (VCV000327308.7), dbSNP rs551645393, ClinGen allele CA10647874.

ClinVar aggregate classification (germline): Benign/Likely benign. Review status: criteria provided, multiple submitters, no conflicts (2 of 4 stars). 3 submissions from 3 submitters: Benign (2); Likely benign (1). Last evaluated 2018-05-29.

Conditions:
Pitt-Hopkins syndrome (PTHS). Also called: ENCEPHALOPATHY, SEVERE EPILEPTIC, WITH AUTONOMIC DYSFUNCTION; MENTAL RETARDATION, SYNDROMAL, WITH INTERMITTENT HYPERVENTILATION. Identifiers: Orphanet 2896, MedGen C1970431, MONDO:0012589, OMIM 610954.

Allele frequency attached by ClinVar (database versions not stated): gnomAD exomes 0.00057; gnomAD 0.00621 and 0.00660; 1000 Genomes Project 0.00639; TOPMed 0.00693; 1000 Genomes Project 30x 0.00718.

Submissions (3):

Blueprint Genetics
Classification: Likely benign. Last evaluated: 2018-05-29. Review status: criteria provided, single submitter. Criteria: ACMG Guidelines, 2015. Collection method: clinical testing. Allele origin: germline.

Illumina Laboratory Services, Illumina
Classification: Benign for Pitt-Hopkins syndrome. Last evaluated: 2018-01-13. Review status: criteria provided, single submitter. Criteria: ICSL Variant Classification Criteria 13 December 2019. Collection method: clinical testing. Allele origin: germline.
Comment: This variant was observed in the ICSL laboratory as part of a predisposition screen in an ostensibly healthy population. It had not been previously curated by ICSL or reported in the Human Gene Mutation Database (HGMD: prior to June 1st, 2018), and was therefore a candidate for classification through an automated scoring system. Utilizing variant allele frequency, disease prevalence and penetrance estimates, and inheritance mode, an automated score was calculated to assess if this variant is too frequent to cause the disease. Based on the score and internal cut-off values, a variant classified as benign is not then subjected to further curation. The score for this variant resulted in a classification of benign for this disease.

Breakthrough Genomics
Classification: Benign. Review status: criteria provided, single submitter. Criteria: ACMG Guidelines, 2015. Collection method: not provided. Allele origin: germline. Inheritance: Autosomal dominant inheritance. Affected: yes.